The following is an entry in ClinVar:

NM_001127222.2(CACNA1A):c.1989C>T (p.Ile663=)

Gene: CACNA1A (calcium voltage-gated channel subunit alpha1 A; minus strand). Cytogenetic location: 19p13.13.
Variant type: single nucleotide variant.
Coding change: c.1989C>T on transcript NM_001127222.2 (MANE Select); coding-DNA position 1989, C replaced by T.
Protein change: p.Ile663=; no amino-acid change (isoleucine 663 retained).
Molecular consequence: synonymous variant.
Genome position (GRCh38, 1-based): chr19:13,303,882, G>A on the plus strand (C>T on the coding strand, the complement: CACNA1A is on the minus strand). VCF-style: chr19-13303882-G-A. GRCh37 (hg19) VCF-style: chr19-13414696-G-A.
Other names: c.1992C>T, p.Ile664= (NM_000068.4, NM_001127221.2, NM_001174080.2 and 1 more transcripts).
Identifiers: ClinVar variation 514249 (VCV000514249.8), dbSNP rs764413479, ClinGen allele CA305508643.

ClinVar aggregate classification (germline): Likely benign. Review status: criteria provided, multiple submitters, no conflicts (2 of 4 stars). 3 submissions from 3 submitters: Likely benign (3). Last evaluated 2025-08-31.

Conditions:
Episodic ataxia type 2 (EA2). Also called: ATAXIA, EPISODIC, WITH NYSTAGMUS; ATAXIA, FAMILIAL PAROXYSMAL; CEREBELLAR ATAXIA, PAROXYSMAL, ACETAZOLAMIDE-RESPONSIVE; CEREBELLOPATHY, HEREDITARY PAROXYSMAL; EPISODIC ATAXIA, NYSTAGMUS-ASSOCIATED; ACETAZOLAMIDE-RESPONSIVE HEREDITARY PAROXYSMAL CEREBELLAR ATAXIA. Identifiers: Orphanet 97, MedGen C1720416, MONDO:0007163, OMIM 108500.
Developmental and epileptic encephalopathy, 42 (DEE42A). Also called: DEVELOPMENTAL AND EPILEPTIC ENCEPHALOPATHY 42A; EPILEPTIC ENCEPHALOPATHY, EARLY INFANTILE, 42A; Epileptic encephalopathy, early infantile, 42. Identifiers: MedGen C4310716, MONDO:0014917, OMIM 617106.
Inborn genetic diseases. Identifiers: MedGen C0950123, MeSH D030342.

Allele frequency attached by ClinVar (database versions not stated): gnomAD 0.00001; TOPMed 0.00001; gnomAD exomes 0.00002.
gnomAD v4.1: 25 of 1,607,268 alleles (0.0016%); highest among the groups gnomAD compares: Non-Finnish European, 0.002%; no homozygotes.

Submissions (3):

Labcorp Genetics (formerly Invitae), Labcorp
Classification: Likely benign for Developmental and epileptic encephalopathy, 42; Episodic ataxia type 2. Last evaluated: 2025-08-31. Review status: criteria provided, single submitter. Criteria: Invitae Variant Classification Sherloc (09022015). Collection method: clinical testing. Allele origin: germline.

GeneDx
Classification: Likely benign. Last evaluated: 2017-12-28. Review status: criteria provided, single submitter. Criteria: GeneDx Variant Classification (06012015). Collection method: clinical testing. Allele origin: germline. Affected: yes.
Comment: This variant is considered likely benign or benign based on one or more of the following criteria: it is a conservative change, it occurs at a poorly conserved position in the protein, it is predicted to be benign by multiple in silico algorithms, and/or has population frequency not consistent with disease.

Ambry Genetics
Classification: Likely benign for Inborn genetic diseases. Last evaluated: 2017-03-29. Review status: criteria provided, single submitter. Criteria: Ambry Variant Classification Scheme 2023. Collection method: clinical testing. Allele origin: germline.